The following is an entry in ClinVar:

ClinVar aggregate classification (germline): Pathogenic (1 of 4 stars; one submission).

Submission:

Labcorp Genetics (formerly Invitae), Labcorp
Classification: Pathogenic. Last evaluated: 2022-03-24. Review status: criteria provided, single submitter. Criteria: Invitae Variant Classification Sherloc (09022015). Collection method: clinical testing. Allele origin: germline.
Comment: For these reasons, this variant has been classified as Pathogenic. This sequence change creates a premature translational stop signal (p.Val596Cysfs*20) in the ABCC6 gene. It is expected to result in an absent or disrupted protein product. Loss-of-function variants in ABCC6 are known to be pathogenic (PMID: 11536079, 17617515). The frequency data for this variant in the population databases is considered unreliable, as metrics indicate poor data quality at this position in the gnomAD database. This variant has not been reported in the literature in individuals affected with ABCC6-related conditions.

Literature cited by the submitters: PubMed 11536079; PubMed 17617515.

NM_001171.6(ABCC6):c.1786del (p.Val596fs)

Gene: ABCC6 (ATP binding cassette subfamily C member 6; minus strand). Cytogenetic location: 16p13.11.
Variant type: Deletion.
Coding change: c.1786del on transcript NM_001171.6 (MANE Select); coding-DNA position 1786, one base deleted (G; older notation c.1786delG).
Protein change: p.Val596fs; shifts the reading frame from valine 596.
Molecular consequence: frameshift variant. On other transcripts: non-coding transcript variant (1).
Genome position (GRCh38, 1-based): chr16:16,187,205, C deleted on the plus strand (G on the coding strand, the reverse complement: ABCC6 is on the minus strand); the first of 3 consecutive C bases (chr16:16,187,205-16,187,207); deleting any one gives the same sequence. VCF-style (leftmost placement, unchanged base first): chr16-16187204-AC-A. GRCh37 (hg19) VCF-style: chr16-16281061-AC-A.
Other names: c.1444del, p.Val482fs (NM_001351800.1); short protein forms V482fs, V596fs.
Identifiers: ClinVar variation 2116451 (VCV002116451.4), dbSNP rs1180478434, ClinGen allele CA621209123.